The following is an entry in ClinVar:

NM_001384732.1(CPLANE1):c.9049A>G (p.Ile3017Val)

Gene: CPLANE1 (ciliogenesis and planar polarity effector complex subunit 1; minus strand). Cytogenetic location: 5p13.2.
Variant type: single nucleotide variant.
Coding change: c.9049A>G on transcript NM_001384732.1 (MANE Select); coding-DNA position 9049, A replaced by G.
Protein change: p.Ile3017Val; replaces isoleucine 3017 with valine.
Molecular consequence: missense variant.
Genome position (GRCh38, 1-based): chr5:37,121,753, T>C on the plus strand (A>G on the coding strand, the complement: CPLANE1 is on the minus strand). VCF-style: chr5-37121753-T-C. GRCh37 (hg19) VCF-style: chr5-37121855-T-C.
Other names: c.8887A>G, p.Ile2963Val (NM_023073.4); short protein forms I3017V, I2963V.
Identifiers: ClinVar variation 1420130 (VCV001420130.6), dbSNP rs1219035432, ClinGen allele CA359496060.
Genomic context (GRCh38, chr5:37,121,753, plus strand): 5'-GAGTTGGTAGCTGTACTGACTCAGATAACAGTTCATTCATCAGACCGTACGCTTGTGAGA[T>C]TCGACGACTATAGTGTTCAGAGAGCAGCAATCTGTAGACAAAGAATTAAGCATCATTTAT-3'
Protein context (NP_001371661.1, residues 3007-3027): LLLSEHYSRR[Ile3017Val]SQAYGLMNEL

ClinVar aggregate classification (germline): Uncertain significance (1 of 4 stars; one submission).

gnomAD v4.1: 1 of 1,614,088 alleles (0.000062%); highest among the groups gnomAD compares: Non-Finnish European, 0.000085%; no homozygotes.

Submission:

Labcorp Genetics (formerly Invitae), Labcorp
Classification: Uncertain significance. Last evaluated: 2022-06-27. Review status: criteria provided, single submitter. Criteria: Invitae Variant Classification Sherloc (09022015). Collection method: clinical testing. Allele origin: germline.
Comment: In summary, the available evidence is currently insufficient to determine the role of this variant in disease. Therefore, it has been classified as a Variant of Uncertain Significance. Advanced modeling of protein sequence and biophysical properties (such as structural, functional, and spatial information, amino acid conservation, physicochemical variation, residue mobility, and thermodynamic stability) performed at Invitae indicates that this missense variant is not expected to disrupt CPLANE1 protein function. This variant has not been reported in the literature in individuals affected with CPLANE1-related conditions. This variant is not present in population databases (gnomAD no frequency). This sequence change replaces isoleucine, which is neutral and non-polar, with valine, which is neutral and non-polar, at codon 2963 of the CPLANE1 protein (p.Ile2963Val).